The following is an entry in ClinVar:

NM_014795.4(ZEB2):c.3070A>G (p.Lys1024Glu)

Gene: ZEB2 (zinc finger E-box binding homeobox 2; minus strand). Cytogenetic location: 2q22.3.
Variant type: single nucleotide variant.
Coding change: c.3070A>G on transcript NM_014795.4 (MANE Select); coding-DNA position 3070, A replaced by G.
Protein change: p.Lys1024Glu; replaces lysine 1024 with glutamic acid.
Molecular consequence: missense variant.
Genome position (GRCh38, 1-based): chr2:144,390,026, T>C on the plus strand (A>G on the coding strand, the complement: ZEB2 is on the minus strand). VCF-style: chr2-144390026-T-C. GRCh37 (hg19) VCF-style: chr2-145147593-T-C.
Other names: c.2998A>G, p.Lys1000Glu (NM_001171653.2); short protein forms K1000E, K1024E.
Identifiers: ClinVar variation 657836 (VCV000657836.8), dbSNP rs1573708232, ClinGen allele CA348701848.

ClinVar aggregate classification (germline): Uncertain significance (1 of 4 stars; one submission).

Conditions:
Mowat-Wilson syndrome (MOWS). Also called: Classic Mowat-Wilson Syndrome. Identifiers: Orphanet 2152, MedGen C1856113, MONDO:0009341, OMIM 235730.

Submission:

Labcorp Genetics (formerly Invitae), Labcorp
Classification: Uncertain significance for Mowat-Wilson syndrome. Last evaluated: 2018-09-19. Review status: criteria provided, single submitter. Criteria: Invitae Variant Classification Sherloc (09022015). Collection method: clinical testing. Allele origin: germline.
Comment: This variant has not been reported in the literature in individuals with ZEB2-related disease. This sequence change replaces lysine with glutamic acid at codon 1024 of the ZEB2 protein (p.Lys1024Glu). The lysine residue is highly conserved and there is a small physicochemical difference between lysine and glutamic acid. This variant is not present in population databases (ExAC no frequency). Algorithms developed to predict the effect of missense changes on protein structure and function are either unavailable or do not agree on the potential impact of this missense change (SIFT: "Deleterious"; PolyPhen-2: "Possibly Damaging"; Align-GVGD: "Class C0"). In summary, the available evidence is currently insufficient to determine the role of this variant in disease. Therefore, it has been classified as a Variant of Uncertain Significance.